The following is an entry in ClinVar:

ClinVar aggregate classification (germline): Likely pathogenic (1 of 4 stars; one submission).

Conditions:
Usher syndrome. Also called: Usher Syndromes; Usher's syndrome. Identifiers: Orphanet 886, MedGen CN469326, MeSH D052245, MONDO:0019501. Disease mechanism: loss of function.

Submission:

Women's Health and Genetics/Laboratory Corporation of America, LabCorp
Classification: Likely pathogenic for Retinitis pigmentosa-deafness syndrome. Last evaluated: 2022-05-23. Review status: criteria provided, single submitter. Criteria: LabCorp Variant Classification Summary - May 2015. Collection method: clinical testing. Allele origin: germline.
Comment: Variant summary: ADGRV1 c.16196+1G>T is located in a canonical splice-site and is predicted to affect mRNA splicing resulting in a significantly altered protein due to either exon skipping, shortening, or inclusion of intronic material. Several computational tools predict a significant impact on normal splicing: Four predict the variant abolishes a 5' splicing donor site. However, these predictions have yet to be confirmed by functional studies. The variant was absent in 165732 control chromosomes. To our knowledge, no occurrence of c.16196+1G>T in individuals affected with Usher Syndrome and no experimental evidence demonstrating its impact on protein function have been reported. No clinical diagnostic laboratories have submitted clinical-significance assessments for this variant to ClinVar after 2014. Based on the evidence outlined above, the variant was classified as likely pathogenic.

NM_032119.4(ADGRV1):c.16196+1G>T

Gene: ADGRV1 (adhesion G protein-coupled receptor V1; plus strand). Cytogenetic location: 5q14.3.
Variant type: single nucleotide variant.
Coding change: c.16196+1G>T on transcript NM_032119.4 (MANE Select); the canonical splice donor site of the intron after coding-DNA position 16196, G replaced by T.
Molecular consequence: splice donor variant.
Genome position (GRCh38, 1-based): chr5:90,815,737, G>T. VCF-style: chr5-90815737-G-T. GRCh37 (hg19) VCF-style: chr5-90111554-G-T.
Identifiers: ClinVar variation 1695995 (VCV001695995.1), dbSNP rs1326895760, ClinGen allele CA360412760.
Genomic context (GRCh38, chr5:90,815,737, plus strand): 5'-ACTCAGGGAAGGAGCTGTTATGAGAAGATTGCACCTTATTGTCACAAGACAGCCAAACAG[G>T]TATGTGTATATATAGTATATGGAAGACGTAACATTCTGTGTGTCTGTACAAATGTAATTT-3'